The following is an entry in ClinVar:

ClinVar aggregate classification (germline): Conflicting classifications of pathogenicity. Review status: criteria provided, conflicting classifications (1 of 4 stars). 3 submissions from 3 submitters: Uncertain significance (1); Likely benign (1). 1 of the submissions does not count toward it. Last evaluated 2024-05-04.

Conditions:
ABCG5-related disorder. Also called: ABCG5-related condition.
Sitosterolemia (STSL). Also called: PHYTOSTEROLEMIA. Identifiers: Orphanet 2882, MedGen C0342907, MONDO:0008863.

Allele frequency attached by ClinVar (database versions not stated): TOPMed 0.00005; gnomAD 0.00001; ExAC 0.00001; gnomAD exomes 0.00001 and 0.00002.
gnomAD v4.1: 28 of 1,614,052 alleles (0.0017%); highest among the groups gnomAD compares: Non-Finnish European, 0.0024%; no homozygotes.

Submissions (3):

Labcorp Genetics (formerly Invitae), Labcorp
Classification: Likely benign for Sitosterolemia. Last evaluated: 2024-05-04. Review status: criteria provided, single submitter. Criteria: Invitae Variant Classification Sherloc (09022015). Collection method: clinical testing. Allele origin: germline.

Eurofins Ntd Llc (ga)
Classification: Uncertain significance. Last evaluated: 2016-09-15. Review status: criteria provided, single submitter. Criteria: EGL Classification Definitions 2015. Collection method: clinical testing. Allele origin: germline. Observed: 1 variant allele, 1 heterozygote.

PreventionGenetics, part of Exact Sciences
Classification: Likely benign for ABCG5-related condition. Last evaluated: 2023-02-15. Review status: no assertion criteria provided. Collection method: clinical testing. Allele origin: germline. Not counted in ClinVar's aggregate classification.
Comment: This variant is classified as likely benign based on ACMG/AMP sequence variant interpretation guidelines (Richards et al. 2015 PMID: 25741868, with internal and published modifications).

NM_022436.3(ABCG5):c.1446C>T (p.Phe482=)

Genes: ABCG5 (ATP binding cassette subfamily G member 5; minus strand), DYNC2LI1 (dynein cytoplasmic 2 light intermediate chain 1; plus strand). Cytogenetic location: 2p21.
Variant type: single nucleotide variant.
Coding change: c.1446C>T on transcript NM_022436.3 (MANE Select); coding-DNA position 1446, C replaced by T.
Protein change: p.Phe482=; no amino-acid change (phenylalanine 482 retained).
Molecular consequence: synonymous variant. On other transcripts: intron variant (2).
Genome position (GRCh38, 1-based): chr2:43,822,814, G>A on the plus strand (C>T on the coding strand, the complement: ABCG5 is on the minus strand). VCF-style: chr2-43822814-G-A. GRCh37 (hg19) VCF-style: chr2-44049953-G-A.
Other names: c.*16-4572G>A (NM_001348913.2, NM_001348912.2).
Identifiers: ClinVar variation 290857 (VCV000290857.15), dbSNP rs886044572, ClinGen allele CA1636276.